The following is an entry in ClinVar:

NM_153676.4(USH1C):c.2237A>C (p.Glu746Ala)

Gene: USH1C (USH1 protein network component harmonin; minus strand). Cytogenetic location: 11p15.1.
Variant type: single nucleotide variant.
Coding change: c.2237A>C on transcript NM_153676.4 (MANE Select); coding-DNA position 2237, A replaced by C.
Protein change: p.Glu746Ala; replaces glutamic acid 746 with alanine.
Molecular consequence: missense variant. On other transcripts: non-coding transcript variant (1).
Genome position (GRCh38, 1-based): chr11:17,501,525, T>G on the plus strand (A>C on the coding strand, the complement: USH1C is on the minus strand). VCF-style: chr11-17501525-T-G. GRCh37 (hg19) VCF-style: chr11-17523072-T-G.
Other names: c.1280A>C, p.Glu427Ala (NM_001297764.2); c.1337A>C, p.Glu446Ala (NM_005709.4); short protein forms E427A, E446A, E746A.
Identifiers: ClinVar variation 1721669 (VCV001721669.5), dbSNP rs2497004007, ClinGen allele CA379803586.
Genomic context (GRCh38, chr11:17,501,525, plus strand): 5'-TCCACATGCCCAGGTACCTTCTTGATGCGTAGGAGCCGGACATCCTTCCCCATGATCTGC[T>G]CTGGGGTGAACTAGAGAGAAAAAGACAGTGGGAAGCTTTGAGCTGGCCTGAAGGATGGCG-3'
Protein context (NP_710142.1, residues 736-756): GFDPYSMFTP[Glu746Ala]QIMGKDVRLL

ClinVar aggregate classification (germline): Uncertain significance (1 of 4 stars; one submission).

Submission:

Labcorp Genetics (formerly Invitae), Labcorp
Classification: Uncertain significance. Last evaluated: 2022-07-21. Review status: criteria provided, single submitter. Criteria: Invitae Variant Classification Sherloc (09022015). Collection method: clinical testing. Allele origin: germline.
Comment: This sequence change replaces glutamic acid, which is acidic and polar, with alanine, which is neutral and non-polar, at codon 446 of the USH1C protein (p.Glu446Ala). This variant is not present in population databases (gnomAD no frequency). This variant has not been reported in the literature in individuals affected with USH1C-related conditions. Algorithms developed to predict the effect of missense changes on protein structure and function are either unavailable or do not agree on the potential impact of this missense change (SIFT: "Deleterious"; PolyPhen-2: "Possibly Damaging"; Align-GVGD: "Class C0"). In summary, the available evidence is currently insufficient to determine the role of this variant in disease. Therefore, it has been classified as a Variant of Uncertain Significance.